The following is an entry in ClinVar:

NM_000352.6(ABCC8):c.1970G>A (p.Arg657Gln)

Gene: ABCC8 (ATP binding cassette subfamily C member 8; minus strand). Cytogenetic location: 11p15.1.
Variant type: single nucleotide variant.
Coding change: c.1970G>A on transcript NM_000352.6 (MANE Select); coding-DNA position 1970, G replaced by A.
Protein change: p.Arg657Gln; replaces arginine 657 with glutamine.
Molecular consequence: missense variant. On other transcripts: non-coding transcript variant (1).
Genome position (GRCh38, 1-based): chr11:17,428,359, C>T on the plus strand (G>A on the coding strand, the complement: ABCC8 is on the minus strand). VCF-style: chr11-17428359-C-T. GRCh37 (hg19) VCF-style: chr11-17449906-C-T.
Other names: c.1970G>A, p.Arg657Gln (NM_001287174.3); c.2036G>A, p.Arg679Gln (NM_001351295.2); c.1967G>A, p.Arg656Gln (NM_001351296.2, NM_001351297.2); short protein forms R657Q, R656Q, R679Q.
Identifiers: ClinVar variation 552764 (VCV000552764.10), dbSNP rs755707550, ClinGen allele CA5903361.
Genomic context (GRCh38, chr11:17,428,359, plus strand): 5'-CAGTTGTCAGCATCGCCATCTGCACTGGGGACCAGGCTCTGCAGTGGGCCGGTGAGGCCC[C>T]GACAATCCTCCCGGGCTGGACGCTTGCGGTTCACAACCCTGAGGGGCTGGGGGTGGTTTG-3'
Protein context (NP_000343.2, residues 647-667): NRKRPAREDC[Arg657Gln]GLTGPLQSLV

ClinVar aggregate classification (germline): Uncertain significance. Review status: criteria provided, multiple submitters, no conflicts (2 of 4 stars). 8 submissions from 7 submitters: Uncertain significance (7). 1 of the submissions does not count toward it. Last evaluated 2024-07-25.

Conditions:
Hyperinsulinemic hypoglycemia, familial, 1 (HHF1). Also called: HYPERINSULINISM, FAMILIAL, WITH PANCREATIC NESIDIOBLASTOSIS; HYPOGLYCEMIA, HYPERINSULINEMIC, OF INFANCY; Persistent hyperinsulinemic hypoglycemia of infancy; NESIDIOBLASTOSIS OF PANCREAS; Persistent Hyperinsulinemia Hypoglycemia of Infancy. Identifiers: Orphanet 276575, Orphanet 276598, MedGen C2931832, MONDO:0009734, OMIM 256450.
Inborn genetic diseases. Identifiers: MedGen C0950123, MeSH D030342.
Maturity-onset diabetes of the young (MODY). Also called: Maturity onset diabetes mellitus in young. Identifiers: Orphanet 552, MedGen C0342276, MONDO:0018911, HP:0004904.
Type 2 diabetes mellitus. Also called: Type II diabetes mellitus. Identifiers: MedGen C0011860, MeSH D003924, MONDO:0005148, OMIM 125853, HP:0005978.
Diabetes mellitus, transient neonatal, 2 (TNDM2). Identifiers: Orphanet 99886, MedGen C1835887, MONDO:0012480, OMIM 610374. Disease mechanism: loss of function.
Diabetes mellitus, permanent neonatal 3. Also called: ABCC8-Related Permanent Neonatal Diabetes Mellitus. Identifiers: MedGen C5394303, MONDO:0030088, OMIM 618857.
Leucine-induced hypoglycemia (LIH). Also called: LEUCINE-SENSITIVE HYPOGLYCEMIA OF INFANCY. Identifiers: MedGen C0271714, MONDO:0009415, OMIM 240800.
Transitory neonatal diabetes mellitus. Also called: Transient neonatal diabetes mellitus. Identifiers: MedGen C0342273, MONDO:0020525, HP:0008255.

Allele frequency attached by ClinVar (database versions not stated): ExAC 0.00001; gnomAD exomes 0.00001; gnomAD 0.00002.
gnomAD v4.1: 22 of 1,614,134 alleles (0.0014%); highest among the groups gnomAD compares: Middle Eastern, 0.016%; no homozygotes.

Submissions (8):

Ambry Genetics
Classification: Uncertain significance for Inborn genetic diseases. Last evaluated: 2024-07-25. Review status: criteria provided, single submitter. Criteria: Ambry Variant Classification Scheme 2023. Collection method: clinical testing. Allele origin: germline.

Labcorp Genetics (formerly Invitae), Labcorp
Classification: Uncertain significance. Last evaluated: 2024-02-23. Review status: criteria provided, single submitter. Criteria: Invitae Variant Classification Sherloc (09022015). Collection method: clinical testing. Allele origin: germline.
Comment: This sequence change replaces arginine, which is basic and polar, with glutamine, which is neutral and polar, at codon 657 of the ABCC8 protein (p.Arg657Gln). This variant is present in population databases (rs755707550, gnomAD 0.003%). This missense change has been observed in individual(s) with autosomal dominant congenital hyperinsulinism (PMID: 26431509). ClinVar contains an entry for this variant (Variation ID: 552764). Algorithms developed to predict the effect of missense changes on protein structure and function output the following: SIFT: "Not Available"; PolyPhen-2: "Benign"; Align-GVGD: "Not Available". The glutamine amino acid residue is found in multiple mammalian species, which suggests that this missense change does not adversely affect protein function. Experimental studies have shown that this missense change affects ABCC8 function (PMID: 26431509). In summary, the available evidence is currently insufficient to determine the role of this variant in disease. Therefore, it has been classified as a Variant of Uncertain Significance.

Women's Health and Genetics/Laboratory Corporation of America, LabCorp
Classification: Uncertain significance. Last evaluated: 2022-12-04. Review status: criteria provided, single submitter. Criteria: LabCorp Variant Classification Summary - May 2015. Collection method: clinical testing. Allele origin: germline.
Comment: Variant summary: ABCC8 c.1970G>A (p.Arg657Gln) results in a conservative amino acid change in the encoded protein sequence. Five of five in-silico tools predict a benign effect of the variant on protein function. The variant allele was found at a frequency of 8e-06 in 251014 control chromosomes. c.1970G>A has been reported in the literature as a heterozygous maternally inherited genotype in at-least one individual affected with Congenital hyperinsulinism of infancy (CHI) (example, Rozenkova_2015). It is not specified whether this individual had a diffuse or a focal lesion and a second paternally in inherited variant supporting a diffuse outcome is also not reported. Furthermore, the maternal inheritance of this variant rules out the possibility of a focal histology. These report(s) do not provide unequivocal conclusions about association of the variant with Familial Hyperinsulinism. At least one publication reports experimental evidence evaluating an impact on protein function (Rozenkova_2015). The most pronounced variant effect results in approximately 41% decrease in function of mutant K-ATP channels in-vitro. One clinical diagnostic laboratory has submitted clinical-significance assessments for this variant to ClinVar after 2014 and classified the variant as uncertain significance citing an overlapping evidence utilized in the context of this evaluation. Based on the evidence outlined above, the variant was classified as VUS-possibly pathogenic.

Fulgent Genetics
Classification: Uncertain significance for Type 2 diabetes mellitus; Leucine-induced hypoglycemia; Hyperinsulinemic hypoglycemia, familial, 1; Diabetes mellitus, transient neonatal, 2; Diabetes mellitus, permanent neonatal 3. Last evaluated: 2022-05-12. Review status: criteria provided, single submitter. Criteria: ACMG Guidelines, 2015. Collection method: clinical testing. Allele origin: unknown.

New York Genome Center
Classification: Uncertain significance for Type 2 diabetes mellitus. Last evaluated: 2021-07-29. Review status: criteria provided, single submitter. Criteria: NYGC Assertion Criteria 2020. Collection method: clinical testing. Allele origin: germline. Observed: 1 heterozygote.
Comment: The heterozygous c.1970G>A (p.Arg657Gln) missense variant identified in the ABCC8 gene has been reported as heterozygous in an individual affected with congenital hyperinsulinism of infancy [PMID: 26431509]. In vitro functional analysis was suggestive of a residual activation by diazoxide incorrespondence to the patient’s phenotype [41% decrease in activity; PMID: 26431509]. The variant has 0.00002628 allele frequency in the gnomAD(v3) database (4out of 152194 heterozygous alleles, no homozygotes) suggesting it is not a common benign variant in the populations represented in that database. This variant hasbeen reported in the ClinVar database as variant of uncertain significance [Variation ID:552764]. The variant affects a weakly conserved residue. In silico tools provide conflicting predictions about potential pathogenicity of this variant (CADD score = 16.81, REVEL score = 0.154). Due to the lack of compelling evidence for its pathogenicity, the heterozygous c.1970G>A (p.Arg657Gln) missense variant identified in the ABCC8 gene is reported as a Variant of UncertainSignificance.

Clinical Genomics, Uppaluri K&H Personalized Medicine Clinic
Classification: Uncertain significance for Maturity-onset diabetes of the young. Review status: criteria provided, single submitter. Criteria: K & H Uppaluri Personalized Medicine Clinic Variant Classification & Assertion Criteria_Updated V.1. Collection method: research. Allele origin: unknown. Inheritance: Somatic mutation.
Comment: Mutations in ABCC8 gene are associated with both neonatal diabetes mellitus as well as MODY. Patients with this mutation may have a better response to sulfonylureas. However, no sufficient evidence is found to ascertain the role of this particular variant (rs755707550) in MODY yet.

Clinical Genomics, Uppaluri K&H Personalized Medicine Clinic
Classification: Uncertain significance for Transitory neonatal diabetes mellitus. Review status: criteria provided, single submitter. Criteria: K & H Uppaluri Personalized Medicine Clinic Variant Classification & Assertion Criteria_Updated V.1. Collection method: research. Allele origin: unknown. Inheritance: Somatic mutation.
Comment: Mutations in ABCC8 gene are associated with both neonatal diabetes mellitus as well as MODY. Patients with this mutation may have a better response to sulfonylureas. However, no sufficient evidence is found to ascertain the role of this particular variant (rs755707550) in neonatal diabetes yet.

Counsyl
Classification: Uncertain significance for Hyperinsulinemic hypoglycemia, familial, 1. Last evaluated: 2017-07-05. Review status: no assertion criteria provided. Collection method: clinical testing. Allele origin: unknown. Not counted in ClinVar's aggregate classification.

Literature cited by the submitters: PubMed 26431509 (cited by 4 submitters); PubMed 16885549 (cited by Clinical Genomics, Uppaluri K&H Personalized Medicine Clinic); PubMed 21989597 (cited by Clinical Genomics, Uppaluri K&H Personalized Medicine Clinic); PubMed 27538677 (cited by Clinical Genomics, Uppaluri K&H Personalized Medicine Clinic); PubMed 18981553 (cited by Clinical Genomics, Uppaluri K&H Personalized Medicine Clinic); PubMed 32027066 (cited by Clinical Genomics, Uppaluri K&H Personalized Medicine Clinic); PubMed 16613899 (cited by Clinical Genomics, Uppaluri K&H Personalized Medicine Clinic); PubMed 18025408 (cited by Clinical Genomics, Uppaluri K&H Personalized Medicine Clinic); PubMed 32792356 (cited by Clinical Genomics, Uppaluri K&H Personalized Medicine Clinic).